The following is an entry in ClinVar:

ClinVar aggregate classification (germline): Uncertain significance (1 of 4 stars; one submission).

Conditions:
Arrhythmogenic cardiomyopathy with wooly hair and keratoderma. Also called: PALMOPLANTAR KERATODERMA WITH LEFT VENTRICULAR CARDIOMYOPATHY AND WOOLLY HAIR; Carvajal syndrome; Dilated cardiomyopathy with woolly hair and keratoderma; Arrhythmogenic cardiomyopathy with woolly hair and keratoderma. Identifiers: Orphanet 65282, MedGen C1854063, MONDO:0011581, OMIM 605676.

Submission:

All of Us Research Program, National Institutes of Health
Classification: Uncertain significance for Arrhythmogenic cardiomyopathy with wooly hair and keratoderma. Last evaluated: 2023-06-26. Review status: criteria provided, single submitter. Criteria: ACMG Guidelines, 2015. Collection method: clinical testing. Allele origin: germline. Inheritance: Autosomal dominant inheritance. Observed: 1 variant allele, 1 heterozygote.
Comment: This missense variant replaces glycine with cysteine at codon 2636 of the DSP protein. Computational prediction suggests that this variant may not impact protein structure and function (internally defined REVEL score threshold <= 0.5, PMID: 27666373). To our knowledge, functional studies have not been reported for this variant. This variant has not been reported in individuals affected with DSP-related disorders in the literature. This variant has not been identified in the general population by the Genome Aggregation Database (gnomAD). The available evidence is insufficient to determine the role of this variant in disease conclusively. Therefore, this variant is classified as a Variant of Uncertain Significance.

This study involves interpretation of variants in research participants for the purpose of population health screening. Participant phenotype was not available at the time of variant classification. Additional details can be found in publication PMID: 35346344, PMCID: PMC8962531

NM_004415.4(DSP):c.7906G>T (p.Gly2636Cys)

Gene: DSP (desmoplakin; plus strand). Cytogenetic location: 6p24.3.
Variant type: single nucleotide variant.
Coding change: c.7906G>T on transcript NM_004415.4 (MANE Select); coding-DNA position 7906, G replaced by T.
Protein change: p.Gly2636Cys; replaces glycine 2636 with cysteine.
Molecular consequence: missense variant.
Genome position (GRCh38, 1-based): chr6:7,585,168, G>T. VCF-style: chr6-7585168-G-T. GRCh37 (hg19) VCF-style: chr6-7585401-G-T.
Other names: c.6109G>T, p.Gly2037Cys (NM_001008844.3); c.6577G>T, p.Gly2193Cys (NM_001319034.2); short protein forms G2037C, G2193C, G2636C.
Identifiers: ClinVar variation 3072224 (VCV003072224.1), dbSNP rs1361408181, ClinGen allele CA362694035.